The following is an entry in ClinVar:

ClinVar aggregate classification (germline): Benign/Likely benign. Review status: criteria provided, multiple submitters, no conflicts (2 of 4 stars). 2 submissions from 2 submitters: Benign (1); Likely benign (1). Last evaluated 2025-03-20.

Conditions:
Juvenile polyposis/hereditary hemorrhagic telangiectasia syndrome (JPHT). Also called: JP/HHT SYNDROME; JUVENILE POLYPOSIS WITH HEREDITARY HEMORRHAGIC TELANGIECTASIA; POLYPOSIS, GENERALIZED JUVENILE, WITH PULMONARY ARTERIOVENOUS MALFORMATION; TELANGIECTASIA, HEREDITARY HEMORRHAGIC, WITH JUVENILE POLYPOSIS COLI; Juvenile Polyposis Syndrome / Hereditary Hemorrhagic Telangiectasia (JPS/HHT). Identifiers: Orphanet 2929, MedGen C1832942, MONDO:0008278, OMIM 175050.
Familial thoracic aortic aneurysm and aortic dissection (TAAD). Also called: Thoracic aortic aneurysms and dissections. Identifiers: Orphanet 91387, MedGen C4707243, MONDO:0019625.
Hereditary cancer-predisposing syndrome. Also called: Neoplastic Syndromes, Hereditary; Tumor predisposition; Hereditary neoplastic syndrome; Hereditary Cancer Syndrome. Identifiers: Orphanet 140162, MedGen C0027672, MeSH D009386, MONDO:0015356.

Submissions (2):

Myriad Genetics, Inc.
Classification: Benign for Juvenile polyposis/hereditary hemorrhagic telangiectasia syndrome. Last evaluated: 2025-03-20. Review status: criteria provided, single submitter. Criteria: Myriad Autosomal Dominant, Autosomal Recessive and X-Linked Classification Criteria (2023). Collection method: clinical testing. Allele origin: unknown.
Comment: This variant is considered benign. This variant is a silent/synonymous amino acid change and it is not expected to impact splicing.

Ambry Genetics
Classification: Likely benign for Hereditary cancer-predisposing syndrome; Familial thoracic aortic aneurysm and aortic dissection. Last evaluated: 2024-08-26. Review status: criteria provided, single submitter. Criteria: Ambry Variant Classification Scheme 2023. Collection method: clinical testing. Allele origin: germline.

NM_005359.6(SMAD4):c.948T>C (p.Asn316=)

Gene: SMAD4 (SMAD family member 4; plus strand). Cytogenetic location: 18q21.2.
Variant type: single nucleotide variant.
Coding change: c.948T>C on transcript NM_005359.6 (MANE Select); coding-DNA position 948, T replaced by C.
Protein change: p.Asn316=; no amino-acid change (asparagine 316 retained).
Molecular consequence: synonymous variant. On other transcripts: non-coding transcript variant (2).
Genome position (GRCh38, 1-based): chr18:51,059,909, T>C. VCF-style: chr18-51059909-T-C. GRCh37 (hg19) VCF-style: chr18-48586279-T-C.
Other names: c.948T>C, p.Asn316= (NM_001407041.1, NM_001407042.1, NM_001407043.1).
Identifiers: ClinVar variation 3445852 (VCV003445852.2).